The following is an entry in ClinVar:

ClinVar aggregate classification (germline): Uncertain significance. Review status: criteria provided, multiple submitters, no conflicts (2 of 4 stars). 3 submissions from 3 submitters: Uncertain significance (3). Last evaluated 2025-11-08.

Conditions:
Long QT syndrome (LQTS). Identifiers: MedGen C0023976, MeSH D008133, MONDO:0002442. Disease mechanism: loss of function. Inheritance: Various modes of inheritance.
Cardiovascular phenotype. Identifiers: MedGen CN230736.

Allele frequency attached by ClinVar (database versions not stated): TOPMed below 0.00001; gnomAD 0.00002; ExAC 0.00008; ESP Exome Variant Server 0.00008.
gnomAD v4.1: 6 of 1,564,020 alleles (0.00038%); highest among the groups gnomAD compares: African/African-American, 0.0027%; no homozygotes.

Submissions (3):

Labcorp Genetics (formerly Invitae), Labcorp
Classification: Uncertain significance for Long QT syndrome. Last evaluated: 2025-11-08. Review status: criteria provided, single submitter. Criteria: Invitae Variant Classification Sherloc (09022015). Collection method: clinical testing. Allele origin: germline.
Comment: This sequence change replaces glutamic acid, which is acidic and polar, with lysine, which is basic and polar, at codon 663 of the KCNQ1 protein (p.Glu663Lys). This variant is present in population databases (rs375289892, gnomAD 0.01%). This variant has not been reported in the literature in individuals affected with KCNQ1-related conditions. ClinVar contains an entry for this variant (Variation ID: 1783891). Invitae Evidence Modeling of protein sequence and biophysical properties (such as structural, functional, and spatial information, amino acid conservation, physicochemical variation, residue mobility, and thermodynamic stability) indicates that this missense variant is not expected to disrupt KCNQ1 protein function with a negative predictive value of 95%. In summary, the available evidence is currently insufficient to determine the role of this variant in disease. Therefore, it has been classified as a Variant of Uncertain Significance.

All of Us Research Program, National Institutes of Health
Classification: Uncertain significance for Long QT syndrome. Last evaluated: 2024-02-22. Review status: criteria provided, single submitter. Criteria: ACMG Guidelines, 2015. Collection method: clinical testing. Allele origin: germline. Inheritance: Autosomal dominant inheritance. Observed: 1 variant allele, 1 heterozygote.
Comment: This missense variant replaces glutamic acid with lysine at codon 663 of the KCNQ1 protein. Computational prediction is inconclusive regarding the impact of this variant on protein structure and function (internally defined REVEL score threshold 0.5 < inconclusive < 0.7, PMID: 27666373). To our knowledge, functional studies have not been reported for this variant. This variant has not been reported in individuals affected with KCNQ1-related disorders in the literature. This variant has been identified in 2/178280 chromosomes in the general population by the Genome Aggregation Database (gnomAD). The available evidence is insufficient to determine the role of this variant in disease conclusively. Therefore, this variant is classified as a Variant of Uncertain Significance.

This study involves interpretation of variants in research participants for the purpose of population health screening. Participant phenotype was not available at the time of variant classification. Additional details can be found in publication PMID: 35346344, PMCID: PMC8962531

Ambry Genetics
Classification: Uncertain significance for Cardiovascular phenotype. Last evaluated: 2021-09-14. Review status: criteria provided, single submitter. Criteria: Ambry Variant Classification Scheme 2023. Collection method: clinical testing. Allele origin: germline.
Comment: The p.E663K variant (also known as c.1987G>A), located in coding exon 16 of the KCNQ1 gene, results from a G to A substitution at nucleotide position 1987. The glutamic acid at codon 663 is replaced by lysine, an amino acid with similar properties. This amino acid position is highly conserved in available vertebrate species. In addition, this alteration is predicted to be deleterious by in silico analysis. Since supporting evidence is limited at this time, the clinical significance of this alteration remains unclear.

Literature cited by the submitters: PubMed 29420653 (cited by Ambry Genetics).

NM_000218.3(KCNQ1):c.1987G>A (p.Glu663Lys)

Genes: KCNQ1-AS1 (KCNQ1 antisense RNA 1; minus strand), KCNQ1 (potassium voltage-gated channel subfamily Q member 1; plus strand). Cytogenetic location: 11p15.4.
Variant type: single nucleotide variant.
Coding change: c.1987G>A on transcript NM_000218.3 (MANE Select); coding-DNA position 1987, G replaced by A.
Protein change: p.Glu663Lys; replaces glutamic acid 663 with lysine.
Molecular consequence: missense variant.
Genome position (GRCh38, 1-based): chr11:2,847,959, G>A. VCF-style: chr11-2847959-G-A. GRCh37 (hg19) VCF-style: chr11-2869189-G-A.
Other names: c.1891G>A, p.Glu631Lys (NM_001406836.1); c.1717G>A, p.Glu573Lys (NM_001406837.1); c.1447G>A, p.Glu483Lys (NM_001406838.1); c.499G>A, p.Glu167Lys (NM_001406839.1); c.1606G>A, p.Glu536Lys (NM_181798.2); short protein forms E663K, E483K, E573K, E631K, E167K, E536K.
Identifiers: ClinVar variation 1783891 (VCV001783891.6), dbSNP rs375289892, ClinGen allele CA034124.
Genomic context (GRCh38, chr11:2,847,959, plus strand): 5'-GGCAGTGGCGGCTCCGTCGACCCTGAGCTCTTCCTGCCCAGCAACACCCTGCCCACCTAC[G>A]AGCAGCTGACCGTGCCCAGGAGGGGCCCCGATGAGGGGTCCTGAGGAGGGGATGGGGCTG-3'
Protein context (NP_000209.2, residues 653-673): FLPSNTLPTY[Glu663Lys]QLTVPRRGPD